The following is an entry in ClinVar:

ClinVar aggregate classification (germline): Uncertain significance. Review status: criteria provided, multiple submitters, no conflicts (2 of 4 stars). 3 submissions from 3 submitters: Uncertain significance (3). Last evaluated 2024-02-27.

Conditions:
Developmental and epileptic encephalopathy, 1 (DEE1). Also called: X-linked infantile spasms; West's syndrome; Tonic spasms with clustering, arrest of psychomotor development and hypsarrhythmia on EEG; X-Linked Infantile Spasm Syndrome; OHTAHARA SYNDROME, X-LINKED; Epileptic encephalopathy, early infantile, 1. Identifiers: MedGen C3463992, MONDO:0010632, OMIM 308350. Disease mechanism: loss of function.
Autosomal dominant nonsyndromic hearing loss 65. Also called: TBC1D24-Related Autosomal Dominant Nonsyndromic Hearing Loss (DFNA); Deafness, autosomal dominant 65. Identifiers: Orphanet 90635, MedGen C3892048, MONDO:0014470, OMIM 616044.
Inborn genetic diseases. Identifiers: MedGen C0950123, MeSH D030342.

Allele frequency attached by ClinVar (database versions not stated): ExAC 0.00001.
gnomAD v4.1: 19 of 1,608,246 alleles (0.0012%); highest among the groups gnomAD compares: East Asian, 0.0022%; no homozygotes.

Submissions (3):

Ambry Genetics
Classification: Uncertain significance for Inborn genetic diseases. Last evaluated: 2024-02-27. Review status: criteria provided, single submitter. Criteria: Ambry Variant Classification Scheme 2023. Collection method: clinical testing. Allele origin: germline.

Labcorp Genetics (formerly Invitae), Labcorp
Classification: Uncertain significance for Developmental and epileptic encephalopathy, 1; Autosomal dominant nonsyndromic hearing loss 65. Last evaluated: 2023-04-25. Review status: criteria provided, single submitter. Criteria: Invitae Variant Classification Sherloc (09022015). Collection method: clinical testing. Allele origin: germline.
Comment: Advanced modeling of protein sequence and biophysical properties (such as structural, functional, and spatial information, amino acid conservation, physicochemical variation, residue mobility, and thermodynamic stability) has been performed at Invitae for this missense variant, however the output from this modeling did not meet the statistical confidence thresholds required to predict the impact of this variant on TBC1D24 protein function. This variant has not been reported in the literature in individuals affected with TBC1D24-related conditions. The frequency data for this variant in the population databases is considered unreliable, as metrics indicate poor data quality at this position in the gnomAD database. This sequence change replaces aspartic acid, which is acidic and polar, with asparagine, which is neutral and polar, at codon 519 of the TBC1D24 protein (p.Asp519Asn). In summary, the available evidence is currently insufficient to determine the role of this variant in disease. Therefore, it has been classified as a Variant of Uncertain Significance.

Blueprint Genetics
Classification: Uncertain significance. Last evaluated: 2022-01-13. Review status: criteria provided, single submitter. Criteria: ACMG Guidelines, 2015. Collection method: clinical testing. Allele origin: germline.

NM_001199107.2(TBC1D24):c.1555G>A (p.Asp519Asn)

Gene: TBC1D24 (TBC1 domain family member 24; plus strand). Cytogenetic location: 16p13.3.
Variant type: single nucleotide variant.
Coding change: c.1555G>A on transcript NM_001199107.2 (MANE Select); coding-DNA position 1555, G replaced by A.
Protein change: p.Asp519Asn; replaces aspartic acid 519 with asparagine.
Molecular consequence: missense variant.
Genome position (GRCh38, 1-based): chr16:2,500,833, G>A. VCF-style: chr16-2500833-G-A. GRCh37 (hg19) VCF-style: chr16-2550834-G-A.
Other names: c.1537G>A, p.Asp513Asn (NM_020705.3); c.1555G>A (NM_001199107.1); short protein forms D513N, D519N.
Identifiers: ClinVar variation 2930587 (VCV002930587.5), dbSNP rs765963990, ClinGen allele CA7844346.